The following is an entry in ClinVar:

NM_003482.4(KMT2D):c.5782+7C>T

Gene: KMT2D (lysine methyltransferase 2D; minus strand). Cytogenetic location: 12q13.12.
Variant type: single nucleotide variant.
Coding change: c.5782+7C>T on transcript NM_003482.4 (MANE Select); 7 bases into the intron after coding-DNA position 5782, C replaced by T.
Molecular consequence: intron variant.
Genome position (GRCh38, 1-based): chr12:49,042,734, G>A on the plus strand (C>T on the coding strand, the complement: KMT2D is on the minus strand). VCF-style: chr12-49042734-G-A. GRCh37 (hg19) VCF-style: chr12-49436517-G-A.
Identifiers: ClinVar variation 4990418 (VCV004990418.1).

ClinVar aggregate classification (germline): Likely benign (1 of 4 stars; one submission).

Conditions:
KMT2D-related disorder. Also called: KMT2D-Related Disorders.

Submission:

PreventionGenetics, part of Exact Sciences
Classification: Likely benign for KMT2D-related condition. Last evaluated: 2025-12-26. Review status: criteria provided, single submitter. Criteria: ACMG Guidelines, 2015. Collection method: clinical testing. Allele origin: germline.
Comment: This variant is classified as likely benign based on ACMG/AMP sequence variant interpretation guidelines (Richards et al. 2015 PMID: 25741868, with internal and published modifications).